The following is an entry in ClinVar:

ClinVar aggregate classification (germline): Benign (1 of 4 stars; one submission).

gnomAD v4.1: 7,447 of 1,603,904 alleles (0.46%); highest among the groups gnomAD compares: African/African-American, 0.81%; 209 homozygotes.

Submission:

CeGaT Center for Human Genetics Tuebingen
Classification: Benign. Last evaluated: 2025-02-01. Review status: criteria provided, single submitter. Criteria: CeGaT Center For Human Genetics Tuebingen Variant Classification Criteria Version 2. Collection method: clinical testing. Allele origin: germline. Affected: yes. Observed: 1 variant allele.
Comment: TUBA3D: BP4, BP7, BS1, BS2

NM_080386.4(TUBA3D):c.834T>C (p.Ala278=)

Genes: MZT2A (mitotic spindle organizing protein 2A; minus strand), TUBA3D (tubulin alpha 3d; plus strand). Cytogenetic location: 2q21.1.
Variant type: single nucleotide variant.
Coding change: c.834T>C on transcript NM_080386.4 (MANE Select); coding-DNA position 834, T replaced by C.
Protein change: p.Ala278=; no amino-acid change (alanine 278 retained).
Molecular consequence: synonymous variant.
Genome position (GRCh38, 1-based): chr2:131,480,527, T>C. VCF-style: chr2-131480527-T-C. GRCh37 (hg19) VCF-style: chr2-132238100-T-C.
Identifiers: ClinVar variation 3770521 (VCV003770521.13).